The following is an entry in ClinVar:

ClinVar aggregate classification (germline): Conflicting classifications of pathogenicity. Review status: criteria provided, conflicting classifications (1 of 4 stars). 3 submissions from 3 submitters: Uncertain significance (1); Likely benign (2). Last evaluated 2026-06-12.

Conditions:
Polyps, multiple and recurrent inflammatory fibroid, gastrointestinal. Identifiers: MedGen C5193005, MONDO:0008285, OMIM 175510.
Hereditary cancer-predisposing syndrome. Also called: Neoplastic Syndromes, Hereditary; Hereditary Cancer Syndrome; Hereditary neoplastic syndrome; Tumor predisposition. Identifiers: Orphanet 140162, MedGen C0027672, MeSH D009386, MONDO:0015356.
Gastrointestinal stromal tumor. Also called: Gastrointestinal stroma tumor; Gastrointestinal stromal tumor, somatic. Identifiers: Orphanet 44890, MedGen C0238198, MeSH D046152, MONDO:0011719, OMIM 606764, HP:0100723.

Allele frequency attached by ClinVar (database versions not stated): TOPMed 0.00002; gnomAD exomes 0.00001; ExAC 0.00002.
gnomAD v4.1: 11 of 1,614,198 alleles (0.00068%); highest among the groups gnomAD compares: Non-Finnish European, 0.00093%; no homozygotes.

Submissions (3):

Myriad Genetics, Inc.
Classification: Likely benign for Polyps, multiple and recurrent inflammatory fibroid, gastrointestinal. Last evaluated: 2026-06-12. Review status: criteria provided, single submitter. Criteria: Myriad Autosomal Dominant, Autosomal Recessive and X-Linked Classification Criteria (2023). Collection method: clinical testing. Allele origin: unknown.
Comment: This variant is considered likely benign. This variant has been observed at a population frequency that is significantly greater than expected given the associated disease prevalence and penetrance.

Labcorp Genetics (formerly Invitae), Labcorp
Classification: Uncertain significance for Gastrointestinal stromal tumor. Last evaluated: 2025-12-08. Review status: criteria provided, single submitter. Criteria: Invitae Variant Classification Sherloc (09022015). Collection method: clinical testing. Allele origin: germline.
Comment: This sequence change replaces asparagine, which is neutral and polar, with aspartic acid, which is acidic and polar, at codon 35 of the PDGFRA protein (p.Asn35Asp). This variant is present in population databases (rs769386190, gnomAD 0.003%). This variant has not been reported in the literature in individuals affected with PDGFRA-related conditions. ClinVar contains an entry for this variant (Variation ID: 407431). Invitae Evidence Modeling of protein sequence and biophysical properties (such as structural, functional, and spatial information, amino acid conservation, physicochemical variation, residue mobility, and thermodynamic stability) indicates that this missense variant is not expected to disrupt PDGFRA protein function with a negative predictive value of 80%. In summary, the available evidence is currently insufficient to determine the role of this variant in disease. Therefore, it has been classified as a Variant of Uncertain Significance.

Ambry Genetics
Classification: Likely benign for Hereditary cancer-predisposing syndrome. Last evaluated: 2021-07-04. Review status: criteria provided, single submitter. Criteria: Ambry Variant Classification Scheme 2023. Collection method: clinical testing. Allele origin: germline.

NM_006206.6(PDGFRA):c.103A>G (p.Asn35Asp)

Gene: PDGFRA (platelet derived growth factor receptor alpha; plus strand). Cytogenetic location: 4q12.
Variant type: single nucleotide variant.
Coding change: c.103A>G on transcript NM_006206.6 (MANE Select); coding-DNA position 103, A replaced by G.
Protein change: p.Asn35Asp; replaces asparagine 35 with aspartic acid.
Molecular consequence: missense variant.
Genome position (GRCh38, 1-based): chr4:54,261,148, A>G. VCF-style: chr4-54261148-A-G. GRCh37 (hg19) VCF-style: chr4-55127315-A-G.
Other names: c.103A>G, p.Asn35Asp (NM_001347827.2, NM_001347829.2); c.178A>G, p.Asn60Asp (NM_001347828.2); c.142A>G, p.Asn48Asp (NM_001347830.2); short protein forms N35D, N48D, N60D.
Identifiers: ClinVar variation 407431 (VCV000407431.13), dbSNP rs769386190, ClinGen allele CA2922232.
Genomic context (GRCh38, chr4:54,261,148, plus strand): 5'-TTTGCAGGGCTGAGCCTAATCCTCTGCCAGCTTTCATTACCCTCTATCCTTCCAAATGAA[A>G]ATGAAAAGGTTGTGCAGCTGAATTCATCCTTTTCTCTGAGATGCTTTGGGGAGAGTGAAG-3'
Protein context (NP_006197.1, residues 25-45): LSLPSILPNE[Asn35Asp]EKVVQLNSSF